The following is an entry in ClinVar:

NM_000426.4(LAMA2):c.9248C>T (p.Pro3083Leu)

Gene: LAMA2 (laminin subunit alpha 2; plus strand). Cytogenetic location: 6q22.33.
Variant type: single nucleotide variant.
Coding change: c.9248C>T on transcript NM_000426.4 (MANE Select); coding-DNA position 9248, C replaced by T.
Protein change: p.Pro3083Leu; replaces proline 3083 with leucine.
Molecular consequence: missense variant.
Genome position (GRCh38, 1-based): chr6:129,516,226, C>T. VCF-style: chr6-129516226-C-T. GRCh37 (hg19) VCF-style: chr6-129837371-C-T.
Other names: c.9236C>T, p.Pro3079Leu (NM_001079823.2); short protein forms P3079L, P3083L.
Identifiers: ClinVar variation 852044 (VCV000852044.8), dbSNP rs80082613, ClinGen allele CA3995082.

ClinVar aggregate classification (germline): Uncertain significance. Review status: criteria provided, multiple submitters, no conflicts (2 of 4 stars). 2 submissions from 2 submitters: Uncertain significance (2). Last evaluated 2025-01-09.

Conditions:
LAMA2-related muscular dystrophy (LAMA2-RD). Also called: Laminin alpha 2-related dystrophy. Identifiers: MedGen C5679788, MONDO:0100228.
Inborn genetic diseases. Identifiers: MedGen C0950123, MeSH D030342.

Allele frequency attached by ClinVar (database versions not stated): TOPMed below 0.00001; ExAC 0.00001; gnomAD 0.00001 and 0.00002; 1000 Genomes Project 30x 0.00016; 1000 Genomes Project 0.00020.
gnomAD v4.1: 11 of 1,614,088 alleles (0.00068%); highest among the groups gnomAD compares: East Asian, 0.0045%; no homozygotes.

Submissions (2):

Ambry Genetics
Classification: Uncertain significance for Inborn genetic diseases. Last evaluated: 2025-01-09. Review status: criteria provided, single submitter. Criteria: Ambry Variant Classification Scheme 2023. Collection method: clinical testing. Allele origin: germline.

Labcorp Genetics (formerly Invitae), Labcorp
Classification: Uncertain significance for LAMA2-related muscular dystrophy. Last evaluated: 2022-09-01. Review status: criteria provided, single submitter. Criteria: Invitae Variant Classification Sherloc (09022015). Collection method: clinical testing. Allele origin: germline.
Comment: This sequence change replaces proline, which is neutral and non-polar, with leucine, which is neutral and non-polar, at codon 3083 of the LAMA2 protein (p.Pro3083Leu). This variant is present in population databases (rs80082613, gnomAD 0.002%). This variant has not been reported in the literature in individuals affected with LAMA2-related conditions. ClinVar contains an entry for this variant (Variation ID: 852044). Advanced modeling of protein sequence and biophysical properties (such as structural, functional, and spatial information, amino acid conservation, physicochemical variation, residue mobility, and thermodynamic stability) performed at Invitae indicates that this missense variant is not expected to disrupt LAMA2 protein function. In summary, the available evidence is currently insufficient to determine the role of this variant in disease. Therefore, it has been classified as a Variant of Uncertain Significance.